The following is an entry in ClinVar:

ClinVar aggregate classification (germline): Uncertain significance (1 of 4 stars; one submission).

Conditions:
PURA-related severe neonatal hypotonia-seizures-encephalopathy syndrome (NEDRIHF). Also called: PURA-Related Neurodevelopmental Disorders; NEURODEVELOPMENTAL DISORDER WITH NEONATAL RESPIRATORY INSUFFICIENCY, HYPOTONIA, AND FEEDING DIFFICULTIES. Identifiers: Orphanet 438213, Orphanet 438216, MedGen C4015357, MONDO:1060108, OMIM 616158, MONDO:0018580.

Allele frequency attached by ClinVar (database versions not stated): gnomAD exomes below 0.00001; TOPMed below 0.00001.
gnomAD v4.1: 5 of 1,611,906 alleles (0.00031%); highest among the groups gnomAD compares: South Asian, 0.0033%; no homozygotes.

Submission:

Labcorp Genetics (formerly Invitae), Labcorp
Classification: Uncertain significance for PURA-related severe neonatal hypotonia-seizures-encephalopathy syndrome. Last evaluated: 2022-10-05. Review status: criteria provided, single submitter. Criteria: Invitae Variant Classification Sherloc (09022015). Collection method: clinical testing. Allele origin: germline.
Comment: This sequence change affects codon 300 of the PURA mRNA. It is a 'silent' change, meaning that it does not change the encoded amino acid sequence of the PURA protein. This variant is not present in population databases (gnomAD no frequency). This variant has not been reported in the literature in individuals affected with PURA-related conditions. In summary, the available evidence is currently insufficient to determine the role of this variant in disease. Therefore, it has been classified as a Variant of Uncertain Significance.

NM_005859.5(PURA):c.900G>A (p.Gln300=)

Gene: PURA (purine rich element binding protein A; plus strand). Cytogenetic location: 5q31.3.
Variant type: single nucleotide variant.
Coding change: c.900G>A on transcript NM_005859.5 (MANE Select); coding-DNA position 900, G replaced by A.
Protein change: p.Gln300=; no amino-acid change (glutamine 300 retained).
Molecular consequence: synonymous variant.
Genome position (GRCh38, 1-based): chr5:140,115,081, G>A. VCF-style: chr5-140115081-G-A. GRCh37 (hg19) VCF-style: chr5-139494666-G-A.
Identifiers: ClinVar variation 2027940 (VCV002027940.4), dbSNP rs1763058119, ClinGen allele CA446831148.